The following is an entry in ClinVar:

ClinVar aggregate classification (germline): Conflicting classifications of pathogenicity. Review status: criteria provided, conflicting classifications (1 of 4 stars). 4 submissions from 4 submitters: Pathogenic (1); Likely pathogenic (2); Uncertain significance (1). Last evaluated 2025-12-10.

Conditions:
NF1-related disorder. Also called: NF1-related condition. Identifiers: MedGen CN379171.
Neurofibromatosis, type 1 (NF1). Also called: Neurofibromatosis, type I; VON RECKLINGHAUSEN DISEASE; Peripheral type neurofibromatosis; NEUROFIBROMATOSIS, TYPE I, SOMATIC. Identifiers: Orphanet 636, MedGen C0027831, MONDO:0018975, OMIM 162200. Disease mechanism: loss of function.
Hereditary cancer-predisposing syndrome. Also called: Hereditary neoplastic syndrome; Hereditary Cancer Syndrome; Tumor predisposition; Neoplastic Syndromes, Hereditary. Identifiers: Orphanet 140162, MedGen C0027672, MeSH D009386, MONDO:0015356.
Cardiovascular phenotype. Identifiers: MedGen CN230736.

Submissions (4):

Ambry Genetics
Classification: Likely pathogenic for Cardiovascular phenotype; Hereditary cancer-predisposing syndrome. Last evaluated: 2025-12-10. Review status: criteria provided, single submitter. Criteria: Ambry Variant Classification Scheme 2023. Collection method: clinical testing. Allele origin: germline.
Comment: The c.6962T>C (p.L2321P) alteration is located in exon 46 (coding exon 46) of the NF1 gene. This alteration results from a T to C substitution at nucleotide position 6962, causing the leucine (L) at amino acid position 2321 to be replaced by a proline (P). This variant was not reported in population-based cohorts in the Genome Aggregation Database (gnomAD). This variant was determined to be de novo in at least one individual with features consistent with neurofibromatosis type 1 (external communication). This amino acid position is highly conserved in available vertebrate species. This missense alteration is located in a region that has a low rate of benign missense variation (Lek, 2016; Firth, 2009). This alteration is predicted to be deleterious by in silico analysis. Based on the available evidence, this alteration is classified as likely pathogenic.

PreventionGenetics, part of Exact Sciences
Classification: Likely pathogenic for NF1-related condition. Last evaluated: 2025-07-17. Review status: criteria provided, single submitter. Criteria: ACMG Guidelines, 2015. Collection method: clinical testing. Allele origin: germline.
Comment: The NF1 c.7025T>C variant is predicted to result in the amino acid substitution p.Leu2342Pro. This variant is also known as c.6962T>C (p.Leu2321Pro) on the clinically relevant transcript (NM_000267). To our knowledge, this variant has not been reported in the literature or in a large population database (gnomAD), indicating this variant is rare. This variant has been observed in individuals with clinical features consistent with neurofibromatosis type I, including individuals where it is presumed de novo (PreventionGenetics internal data, external communication). This variant has also been shown to segregate with disease in an affected family (external communication). This variant has conflicting interpretations in ClinVar of pathogenic and uncertain. This variant is classified as likely pathogenic.

GeneDx
Classification: Uncertain significance. Last evaluated: 2025-04-01. Review status: criteria provided, single submitter. Criteria: GeneDx Variant Classification Process June 2021. Collection method: clinical testing. Allele origin: germline. Affected: yes.
Comment: Not observed at significant frequency in large population cohorts (gnomAD); In silico analysis supports that this missense variant has a deleterious effect on protein structure/function; Has not been previously published as pathogenic or benign to our knowledge; This variant is associated with the following publications: (PMID: 25486365)

Labcorp Genetics (formerly Invitae), Labcorp
Classification: Pathogenic for Neurofibromatosis, type 1. Last evaluated: 2024-07-29. Review status: criteria provided, single submitter. Criteria: Invitae Variant Classification Sherloc (09022015). Collection method: clinical testing. Allele origin: germline.
Comment: This sequence change replaces leucine, which is neutral and non-polar, with proline, which is neutral and non-polar, at codon 2321 of the NF1 protein (p.Leu2321Pro). This variant is not present in population databases (gnomAD no frequency). This missense change has been observed in individual(s) with neurofibromatosis type I (Invitae). In at least one individual the variant was observed to be de novo. Advanced modeling of protein sequence and biophysical properties (such as structural, functional, and spatial information, amino acid conservation, physicochemical variation, residue mobility, and thermodynamic stability) performed at Invitae indicates that this missense variant is expected to disrupt NF1 protein function with a positive predictive value of 95%. For these reasons, this variant has been classified as Pathogenic.

NM_001042492.3(NF1):c.7025T>C (p.Leu2342Pro)

Gene: NF1 (neurofibromin 1; plus strand). Cytogenetic location: 17q11.2.
Variant type: single nucleotide variant.
Coding change: c.7025T>C on transcript NM_001042492.3 (MANE Select); coding-DNA position 7025, T replaced by C.
Protein change: p.Leu2342Pro; replaces leucine 2342 with proline.
Molecular consequence: missense variant.
Genome position (GRCh38, 1-based): chr17:31,340,608, T>C. VCF-style: chr17-31340608-T-C. GRCh37 (hg19) VCF-style: chr17-29667626-T-C.
Other names: c.6962T>C, p.Leu2321Pro (NM_000267.4); short protein forms L2321P, L2342P.
Identifiers: ClinVar variation 2697825 (VCV002697825.8), dbSNP rs2151561874, ClinGen allele CA399015087.